The following is an entry in ClinVar:

NM_000016.6(ACADM):c.1205G>T (p.Gly402Val)

Gene: ACADM (acyl-CoA dehydrogenase medium chain; plus strand). Cytogenetic location: 1p31.1.
Variant type: single nucleotide variant.
Coding change: c.1205G>T on transcript NM_000016.6 (MANE Select); coding-DNA position 1205, G replaced by T.
Protein change: p.Gly402Val; replaces glycine 402 with valine.
Molecular consequence: missense variant.
Genome position (GRCh38, 1-based): chr1:75,762,702, G>T. VCF-style: chr1-75762702-G-T. GRCh37 (hg19) VCF-style: chr1-76228387-G-T.
Other names: c.1217G>T, p.Gly406Val (NM_001127328.3); c.1097G>T, p.Gly366Val (NM_001286042.2); c.1304G>T, p.Gly435Val (NM_001286043.2); c.638G>T, p.Gly213Val (NM_001286044.2); short protein forms G402V, G213V, G366V, G406V, G435V.
Identifiers: ClinVar variation 556950 (VCV000556950.3), dbSNP rs1553127382, ClinGen allele CA340818409.
Genomic context (GRCh38, chr1:75,762,702, plus strand): 5'-AGTATTTATGTACTAAAGATATTTAACCTACACTTATATTTTTCTTGCAGATTTATGAAG[G>T]TACTTCACAAATTCAAAGACTTATTGTAGCCCGTGAACACATTGACAAGTACAAAAATTA-3'
Protein context (NP_000007.1, residues 392-412): RDAKIYQIYE[Gly402Val]TSQIQRLIVA

ClinVar aggregate classification (germline): Uncertain significance. Review status: criteria provided, single submitter (1 of 4 stars). 2 submissions from 2 submitters: Uncertain significance (1). 1 of the submissions does not count toward it. Last evaluated 2022-03-18.

Conditions:
Medium-chain acyl-coenzyme A dehydrogenase deficiency (ACADMD). Also called: Medium chain acyl-CoA dehydrogenase deficiency; CARNITINE DEFICIENCY SECONDARY TO MEDIUM-CHAIN ACYL-CoA DEHYDROGENASE DEFICIENCY; MCADD; MCAD Deficiency; MCADH DEFICIENCY; ACADM DEFICIENCY. Identifiers: Orphanet 42, MedGen C0220710, MONDO:0008721, OMIM 201450.

Allele frequency attached by ClinVar (database versions not stated): TOPMed below 0.00001.

Submissions (2):

Women's Health and Genetics/Laboratory Corporation of America, LabCorp
Classification: Uncertain significance. Last evaluated: 2022-03-18. Review status: criteria provided, single submitter. Criteria: LabCorp Variant Classification Summary - May 2015. Collection method: clinical testing. Allele origin: germline.
Comment: Variant summary: ACADM c.1205G>T (p.Gly402Val) results in a non-conservative amino acid change located in the Acyl-CoA dehydrogenase/oxidase C-terminal (IPR009075) of the encoded protein sequence. Five of five in-silico tools predict a damaging effect of the variant on protein function. The variant was absent in 250290 control chromosomes. The available data on variant occurrences in the general population are insufficient to allow any conclusion about variant significance. c.1205G>T has been reported in the literature as a VUS in a presumed compound heterozygous genotype with MCAD c.985A>G (p.Lys329Glu) in at-least one newborn with mild elevations in acylcarnitines identifed at newborn screening (example, Ventura_2014). These data do not allow any conclusion about variant significance. To our knowledge, no experimental evidence demonstrating an impact on protein function has been reported. One clinical diagnostic laboratory has submitted clinical-significance assessments for this variant to ClinVar after 2014 and classified the variant as uncertain significance. Based on the evidence outlined above, the variant was classified as uncertain significance.

Counsyl
Classification: Uncertain significance for Medium-chain acyl-coenzyme A dehydrogenase deficiency. Last evaluated: 2018-02-27. Review status: no assertion criteria provided. Collection method: clinical testing. Allele origin: unknown. Not counted in ClinVar's aggregate classification.

Literature cited by the submitters: PubMed 23829193 (cited by Women's Health and Genetics/Laboratory Corporation of America, LabCorp and Counsyl).